The following is an entry in ClinVar:

NM_015450.3(POT1):c.820G>A (p.Gly274Arg)

Gene: POT1 (protection of telomeres 1; minus strand). Cytogenetic location: 7q31.33.
Variant type: single nucleotide variant.
Coding change: c.820G>A on transcript NM_015450.3 (MANE Select); coding-DNA position 820, G replaced by A.
Protein change: p.Gly274Arg; replaces glycine 274 with arginine.
Molecular consequence: missense variant. On other transcripts: non-coding transcript variant (3).
Genome position (GRCh38, 1-based): chr7:124,853,021, C>T on the plus strand (G>A on the coding strand, the complement: POT1 is on the minus strand). VCF-style: chr7-124853021-C-T. GRCh37 (hg19) VCF-style: chr7-124493075-C-T.
Other names: c.427G>A, p.Gly143Arg (NM_001042594.2); short protein forms G143R, G274R.
Identifiers: ClinVar variation 1053165 (VCV001053165.7), dbSNP rs1296966928, ClinGen allele CA369055338.

ClinVar aggregate classification (germline): Uncertain significance (1 of 4 stars; one submission).

Conditions:
Tumor predisposition syndrome 3 (TPDS3). Also called: Melanoma, cutaneous malignant, susceptibility to, 10; Glioma susceptibility 9; LONG TELOMERE SYNDROME, POT1-RELATED; POT1 Tumor Predisposition. Identifiers: Orphanet 618, MedGen C4014476, MONDO:0014368, OMIM 615848.

Allele frequency attached by ClinVar (database versions not stated): gnomAD exomes below 0.00001.
gnomAD v4.1: 2 of 1,613,376 alleles (0.00012%); highest among the groups gnomAD compares: Non-Finnish European, 0.00017%; no homozygotes.

Submission:

Labcorp Genetics (formerly Invitae), Labcorp
Classification: Uncertain significance for Tumor predisposition syndrome 3. Last evaluated: 2024-10-07. Review status: criteria provided, single submitter. Criteria: Invitae Variant Classification Sherloc (09022015). Collection method: clinical testing. Allele origin: germline.
Comment: This sequence change replaces glycine, which is neutral and non-polar, with arginine, which is basic and polar, at codon 274 of the POT1 protein (p.Gly274Arg). This variant is present in population databases (no rsID available, gnomAD 0.0009%). This variant has not been reported in the literature in individuals affected with POT1-related conditions. ClinVar contains an entry for this variant (Variation ID: 1053165). Invitae Evidence Modeling of protein sequence and biophysical properties (such as structural, functional, and spatial information, amino acid conservation, physicochemical variation, residue mobility, and thermodynamic stability) indicates that this missense variant is not expected to disrupt POT1 protein function with a negative predictive value of 80%. In summary, the available evidence is currently insufficient to determine the role of this variant in disease. Therefore, it has been classified as a Variant of Uncertain Significance.